The following is an entry in ClinVar:

ClinVar aggregate classification (germline): Likely benign. Review status: criteria provided, multiple submitters, no conflicts (2 of 4 stars). 2 submissions from 2 submitters: Likely benign (2). Last evaluated 2025-12-26.

Conditions:
B4GALT7-related disorder. Also called: B4GALT7-related condition.
Spondylodysplastic Ehlers-Danlos syndrome. Identifiers: Orphanet 536471, Orphanet 75496, MedGen C5680154, MONDO:0007526.

Submissions (2):

PreventionGenetics, part of Exact Sciences
Classification: Likely benign for B4GALT7-related condition. Last evaluated: 2025-12-26. Review status: criteria provided, single submitter. Criteria: ACMG Guidelines, 2015. Collection method: clinical testing. Allele origin: germline.
Comment: This variant is classified as likely benign based on ACMG/AMP sequence variant interpretation guidelines (Richards et al. 2015 PMID: 25741868, with internal and published modifications).

Labcorp Genetics (formerly Invitae), Labcorp
Classification: Likely benign for Spondylodysplastic Ehlers-Danlos syndrome. Last evaluated: 2025-08-11. Review status: criteria provided, single submitter. Criteria: Invitae Variant Classification Sherloc (09022015). Collection method: clinical testing. Allele origin: germline.

NM_007255.3(B4GALT7):c.552C>T (p.His184=)

Gene: B4GALT7 (beta-1,4-galactosyltransferase 7; plus strand). Cytogenetic location: 5q35.3.
Variant type: single nucleotide variant.
Coding change: c.552C>T on transcript NM_007255.3 (MANE Select); coding-DNA position 552, C replaced by T.
Protein change: p.His184=; no amino-acid change (histidine 184 retained).
Molecular consequence: synonymous variant.
Genome position (GRCh38, 1-based): chr5:177,607,440, C>T. VCF-style: chr5-177607440-C-T. GRCh37 (hg19) VCF-style: chr5-177034441-C-T.
Other names: c.552C>T (NM_007255.2).
Identifiers: ClinVar variation 3712255 (VCV003712255.3).